The following is an entry in ClinVar:

NM_004999.4(MYO6):c.1078+6C>T

Gene: MYO6 (myosin VI; plus strand). Cytogenetic location: 6q14.1.
Variant type: single nucleotide variant.
Coding change: c.1078+6C>T on transcript NM_004999.4 (MANE Select); 6 bases into the intron after coding-DNA position 1078, C replaced by T.
Molecular consequence: intron variant.
Genome position (GRCh38, 1-based): chr6:75,848,537, C>T. VCF-style: chr6-75848537-C-T. GRCh37 (hg19) VCF-style: chr6-76558254-C-T.
Other names: c.1078+6C>T (NM_001368865.1, NM_001368866.1, NM_001368137.1 and 2 more transcripts); c.1063+6C>T (NM_001368138.1).
Identifiers: ClinVar variation 1985612 (VCV001985612.4), dbSNP rs758422731, ClinGen allele CA3897027.

ClinVar aggregate classification (germline): Uncertain significance (1 of 4 stars; one submission).

Allele frequency attached by ClinVar (database versions not stated): ExAC 0.00004; TOPMed 0.00006; gnomAD 0.00007; gnomAD exomes 0.00008.
gnomAD v4.1: 125 of 1,607,510 alleles (0.0078%); highest among the groups gnomAD compares: Non-Finnish European, 0.01%; no homozygotes.

Submission:

Labcorp Genetics (formerly Invitae), Labcorp
Classification: Uncertain significance. Last evaluated: 2023-02-09. Review status: criteria provided, single submitter. Criteria: Invitae Variant Classification Sherloc (09022015). Collection method: clinical testing. Allele origin: germline.
Comment: This sequence change falls in intron 11 of the MYO6 gene. It does not directly change the encoded amino acid sequence of the MYO6 protein. It affects a nucleotide within the consensus splice site. This variant is present in population databases (rs758422731, gnomAD 0.01%). This variant has not been reported in the literature in individuals affected with MYO6-related conditions. Variants that disrupt the consensus splice site are a relatively common cause of aberrant splicing (PMID: 17576681, 9536098). Algorithms developed to predict the effect of sequence changes on RNA splicing suggest that this variant is not likely to affect RNA splicing. In summary, the available evidence is currently insufficient to determine the role of this variant in disease. Therefore, it has been classified as a Variant of Uncertain Significance.

Literature cited by the submitters: PubMed 17576681; PubMed 9536098.